The following is an entry in ClinVar:

ClinVar aggregate classification (germline): Likely pathogenic (1 of 4 stars; one submission).

Conditions:
Inborn genetic diseases. Identifiers: MedGen C0950123, MeSH D030342.

Submission:

Ambry Genetics
Classification: Likely pathogenic for Inborn genetic diseases. Last evaluated: 2026-03-20. Review status: criteria provided, single submitter. Criteria: Ambry Variant Classification Scheme 2023. Collection method: clinical testing. Allele origin: germline.
Comment: The c.7918delG (p.V2640Wfs*121) alteration, located in exon 23 (coding exon 22) of the NSD1 gene, consists of a deletion of one nucleotide at position 7918, causing a translational frameshift with a predicted alternate stop codon after 121 amino acids. This variant occurs at the 3' terminus of the NSD1 gene, is not expected to trigger nonsense-mediated mRNA decay and results in the elongation of the protein by 57 amino acids. This frameshift impacts the last 2% amino acids of the native protein. However, frameshifts are typically deleterious in nature. This variant was not reported in population-based cohorts in the Genome Aggregation Database (gnomAD). Based on the available evidence, this alteration is classified as likely pathogenic.

NM_022455.5(NSD1):c.7918del (p.Val2640fs)

Gene: NSD1 (nuclear receptor binding SET domain protein 1; plus strand). Cytogenetic location: 5q35.3.
Variant type: Deletion.
Coding change: c.7918del on transcript NM_022455.5 (MANE Select); coding-DNA position 7918, one base deleted (G; older notation c.7918delG).
Protein change: p.Val2640fs; shifts the reading frame from valine 2640.
Molecular consequence: frameshift variant.
Genome position (GRCh38, 1-based): chr5:177,295,286, G deleted. VCF-style (leftmost placement, unchanged base first): chr5-177295285-AG-A. GRCh37 (hg19) VCF-style: chr5-176722286-AG-A.
Other names: c.7045del, p.Val2349fs (NM_172349.5, NM_001409308.1, NM_001365684.2); c.7918del, p.Val2640fs (NM_001409301.1, NM_001409302.1, NM_001409303.1); c.7498del, p.Val2500fs (NM_001409304.1); c.7165del, p.Val2389fs (NM_001409305.1); c.7156del, p.Val2386fs (NM_001409306.1, NM_001409307.1); c.6796del, p.Val2266fs (NM_001409309.1); short protein forms V2266fs, V2349fs, V2386fs, V2389fs, V2500fs, V2640fs.
Identifiers: ClinVar variation 4861198 (VCV004861198.1).
Genomic context (GRCh38, chr5:177,295,285, plus strand): 5'-CACAGAGCAAAGTCCCTGGGCCCTGGGAAAAGCCTCATCACGGGCAGGGCTCTGGCCCAT[AG>A]TGGCTGGACAGACACTGGCACAGTCTTGCTGGTCTGCTGGGAGCACACAGACATTGGCAC-3'